The following is an entry in ClinVar:

NM_002617.4(PEX10):c.341A>G (p.Glu114Gly)

Gene: PEX10 (peroxisomal biogenesis factor 10; minus strand). Cytogenetic location: 1p36.32.
Variant type: single nucleotide variant.
Coding change: c.341A>G on transcript NM_002617.4 (MANE Select); coding-DNA position 341, A replaced by G.
Protein change: p.Glu114Gly; replaces glutamic acid 114 with glycine.
Molecular consequence: missense variant. On other transcripts: 5 prime UTR variant (2), non-coding transcript variant (1).
Genome position (GRCh38, 1-based): chr1:2,408,711, T>C on the plus strand (A>G on the coding strand, the complement: PEX10 is on the minus strand). VCF-style: chr1-2408711-T-C. GRCh37 (hg19) VCF-style: chr1-2340150-T-C.
Other names: p.Glu114Gly; c.341A>G, p.Glu114Gly (NM_001374425.1, NM_153818.2); c.-92A>G (NM_001374426.1, NM_001374427.1); short protein forms E114G.
Identifiers: ClinVar variation 860725 (VCV000860725.4), dbSNP rs554490737, ClinGen allele CA538205.

ClinVar aggregate classification (germline): Uncertain significance. Review status: criteria provided, multiple submitters, no conflicts (2 of 4 stars). 3 submissions from 3 submitters: Uncertain significance (2). 1 of the submissions does not count toward it. Last evaluated 2026-02-18.

Conditions:
Peroxisome biogenesis disorder, complementation group 7 (CG7). Also called: Peroxisome biogenesis disorder, complementation group B. Identifiers: MedGen C1864399.
Zellweger spectrum disorders (ZS). Also called: Zellweger syndrome; Zellweger Spectrum Disorder; Zellweger Spectrum; Zellweger Spectrum Disorder (ZSD). Identifiers: Orphanet 912, MedGen C0043459, MONDO:0019609.
Peroxisome biogenesis disorder 6B (PBD6B). Identifiers: Orphanet 44, MedGen C3553948, MONDO:0013937, OMIM 614871.

Allele frequency attached by ClinVar (database versions not stated): gnomAD below 0.00001 and 0.00003; TOPMed below 0.00001; ExAC 0.00009; gnomAD exomes 0.00010; 1000 Genomes Project 30x 0.00016; 1000 Genomes Project 0.00020.
gnomAD v4.1: 72 of 1,613,598 alleles (0.0045%); highest among the groups gnomAD compares: South Asian, 0.074%; no homozygotes.

Submissions (3):

Foundation for Research in Genetics and Endocrinology, FRIGE's Institute of Human Genetics
Classification: Uncertain significance for Peroxisome biogenesis disorder 6B. Last evaluated: 2026-02-18. Review status: criteria provided, single submitter. Criteria: ACMG Guidelines, 2015. Collection method: clinical testing. Allele origin: germline. Inheritance: Autosomal recessive inheritance. Affected: yes. Observed: 1 homozygote.
Comment: The homozygous missense variant c.341A>G; p.Glu114Gly, has been detected in the PEX10 gene on chromosomal position chr1:2408711:T>C. This variant is present in 70 out of 70 reads at the locus. It is located in exon 3 of the transcript NM_002617.4 and it leads to a change in amino acid from Glutamic Acid to Glycine at codon 114. This variant has been reported in population frequency databases such as gnomAD (MAF-0.0045%) and reported in ExAC (MAF-0.0095%). This variant is predicted to be deleterious by in silico prediction tools such as Revel, MutationTaster, DANN and BayesDel. Aggregated prediction score for the variant is 0.7309 which suggests it to be deleterious. As per ACMG classification, the variant can be classified as Uncertain Significance with criteria PP3.

Labcorp Genetics (formerly Invitae), Labcorp
Classification: Uncertain significance for Peroxisome biogenesis disorder, complementation group 7. Last evaluated: 2022-08-09. Review status: criteria provided, single submitter. Criteria: Invitae Variant Classification Sherloc (09022015). Collection method: clinical testing. Allele origin: germline.
Comment: This sequence change replaces glutamic acid, which is acidic and polar, with glycine, which is neutral and non-polar, at codon 114 of the PEX10 protein (p.Glu114Gly). This variant is present in population databases (rs554490737, gnomAD 0.07%). This variant has not been reported in the literature in individuals affected with PEX10-related conditions. ClinVar contains an entry for this variant (Variation ID: 860725). Algorithms developed to predict the effect of missense changes on protein structure and function are either unavailable or do not agree on the potential impact of this missense change (SIFT: "Deleterious"; PolyPhen-2: "Possibly Damaging"; Align-GVGD: "Class C0"). In summary, the available evidence is currently insufficient to determine the role of this variant in disease. Therefore, it has been classified as a Variant of Uncertain Significance.

Natera, Inc.
Classification: Uncertain significance for Zellweger syndrome. Last evaluated: 2020-02-26. Review status: no assertion criteria provided. Collection method: clinical testing. Allele origin: germline. Not counted in ClinVar's aggregate classification.